The following is an entry in ClinVar:

NM_003126.4(SPTA1):c.5388G>A (p.Gln1796=)

Gene: SPTA1 (spectrin alpha, erythrocytic 1; minus strand). Cytogenetic location: 1q23.1.
Variant type: single nucleotide variant.
Coding change: c.5388G>A on transcript NM_003126.4 (MANE Select); coding-DNA position 5388, G replaced by A.
Protein change: p.Gln1796=; no amino-acid change (glutamine 1796 retained).
Molecular consequence: synonymous variant.
Genome position (GRCh38, 1-based): chr1:158,635,957, C>T on the plus strand (G>A on the coding strand, the complement: SPTA1 is on the minus strand). VCF-style: chr1-158635957-C-T. GRCh37 (hg19) VCF-style: chr1-158605747-C-T.
Other names: p.Gln1796=.
Identifiers: ClinVar variation 292972 (VCV000292972.29), dbSNP rs61140046, ClinGen allele CA1182317.

ClinVar aggregate classification (germline): Benign/Likely benign. Review status: criteria provided, multiple submitters, no conflicts (2 of 4 stars). 8 submissions from 6 submitters: Benign (4); Likely benign (4). Last evaluated 2026-01-28.

Conditions:
Hereditary spherocytosis type 3. Also called: Spherocytosis type 3; SPTA1-Related Spherocytosis. Identifiers: Orphanet 822, MedGen C2678338, MONDO:0010053, OMIM 270970.
Elliptocytosis 2 (EL2). Also called: ELLIPTOCYTOSIS, RHESUS-UNLINKED TYPE. Identifiers: Orphanet 288, MedGen C1851741, MONDO:0007533, OMIM 130600.
Pyropoikilocytosis, hereditary. Also called: Pyropoikilocytosis. Identifiers: MedGen C0520739, MONDO:0009948, OMIM 266140, HP:0004839. Disease mechanism: loss of function.

Allele frequency attached by ClinVar (database versions not stated): gnomAD exomes 0.00235 and 0.00576; ExAC 0.00721; gnomAD 0.02283 and 0.02445; TOPMed 0.02575; ESP Exome Variant Server 0.02720; 1000 Genomes Project 0.02776; 1000 Genomes Project 30x 0.02936.
gnomAD v4.1: 7,109 of 1,614,158 alleles (0.44%); highest among the groups gnomAD compares: African/African-American, 8%; 253 homozygotes.

Submissions (8):

Labcorp Genetics (formerly Invitae), Labcorp
Classification: Benign. Last evaluated: 2026-01-28. Review status: criteria provided, single submitter. Criteria: Invitae Variant Classification Sherloc (09022015). Collection method: clinical testing. Allele origin: germline.

ARUP Laboratories, Molecular Genetics and Genomics, ARUP Laboratories
Classification: Benign. Last evaluated: 2025-07-28. Review status: criteria provided, single submitter. Criteria: ARUP Molecular Germline Variant Investigation Process 2024. Collection method: clinical testing. Allele origin: germline.

Blueprint Genetics
Classification: Likely benign. Last evaluated: 2024-11-14. Review status: criteria provided, single submitter. Criteria: ACMG Guidelines, 2015. Collection method: clinical testing. Allele origin: germline.

Mayo Clinic Laboratories, Mayo Clinic
Classification: Benign. Last evaluated: 2023-11-07. Review status: criteria provided, single submitter. Criteria: ACMG Guidelines, 2015. Collection method: clinical testing. Allele origin: germline. Observed: 78 variant alleles.
Comment: BS1, BS2, BP4, BP7

Illumina Laboratory Services, Illumina
Classification: Benign for Elliptocytosis 2. Last evaluated: 2018-01-12. Review status: criteria provided, single submitter. Criteria: ICSL Variant Classification Criteria 13 December 2019. Collection method: clinical testing. Allele origin: germline.
Comment: This variant was observed in the ICSL laboratory as part of a predisposition screen in an ostensibly healthy population. It had not been previously curated by ICSL or reported in the Human Gene Mutation Database (HGMD: prior to June 1st, 2018), and was therefore a candidate for classification through an automated scoring system. Utilizing variant allele frequency, disease prevalence and penetrance estimates, and inheritance mode, an automated score was calculated to assess if this variant is too frequent to cause the disease. Based on the score and internal cut-off values, a variant classified as benign is not then subjected to further curation. The score for this variant resulted in a classification of benign for this disease.

Illumina Laboratory Services, Illumina
Classification: Likely benign for Pyropoikilocytosis, hereditary. Last evaluated: 2018-01-12. Review status: criteria provided, single submitter. Criteria: ICSL Variant Classification Criteria 13 December 2019. Collection method: clinical testing. Allele origin: germline.
Comment: This variant was observed in the ICSL laboratory as part of a predisposition screen in an ostensibly healthy population. It had not been previously curated by ICSL or reported in the Human Gene Mutation Database (HGMD: prior to June 1st, 2018), and was therefore a candidate for classification through an automated scoring system. Utilizing variant allele frequency, disease prevalence and penetrance estimates, and inheritance mode, an automated score was calculated to assess if this variant is too frequent to cause the disease. Based on the score and internal cut-off values, a variant classified as likely benign is not then subjected to further curation. The score for this variant resulted in a classification of likely benign for this disease.

Illumina Laboratory Services, Illumina
Classification: Likely benign for Hereditary spherocytosis type 3. Last evaluated: 2018-01-12. Review status: criteria provided, single submitter. Criteria: ICSL Variant Classification Criteria 13 December 2019. Collection method: clinical testing. Allele origin: germline.
Comment: the same text as in the submission from Illumina Laboratory Services, Illumina above.

Breakthrough Genomics
Classification: Likely benign. Review status: criteria provided, single submitter. Criteria: ACMG Guidelines, 2015. Collection method: not provided. Allele origin: germline. Inheritance: Autosomal recessive inheritance. Affected: yes.